The following is an entry in ClinVar:

ClinVar aggregate classification (germline): Uncertain significance. Review status: criteria provided, multiple submitters, no conflicts (2 of 4 stars). 2 submissions from 2 submitters: Uncertain significance (2). Last evaluated 2022-12-17.

Conditions:
Dyskeratosis congenita, autosomal dominant 2. Identifiers: MedGen C3151443, MONDO:0013521, OMIM 613989.
Idiopathic Pulmonary Fibrosis. Also called: Idiopathic fibrosing alveolitis, chronic form; idiopathic fibrosing alveolitis. Identifiers: Orphanet 2032, MedGen C1800706, MeSH D054990, MONDO:0800504.
Dyskeratosis congenita. Identifiers: Orphanet 1775, MedGen C0265965, MONDO:0015780.

Submissions (2):

Labcorp Genetics (formerly Invitae), Labcorp
Classification: Uncertain significance for Dyskeratosis congenita, autosomal dominant 2; Idiopathic Pulmonary Fibrosis. Last evaluated: 2022-12-17. Review status: criteria provided, single submitter. Criteria: Invitae Variant Classification Sherloc (09022015). Collection method: clinical testing. Allele origin: germline.
Comment: In summary, the available evidence is currently insufficient to determine the role of this variant in disease. Therefore, it has been classified as a Variant of Uncertain Significance. Advanced modeling of protein sequence and biophysical properties (such as structural, functional, and spatial information, amino acid conservation, physicochemical variation, residue mobility, and thermodynamic stability) performed at Invitae indicates that this missense variant is expected to disrupt TERT protein function. ClinVar contains an entry for this variant (Variation ID: 566675). This variant has not been reported in the literature in individuals affected with TERT-related conditions. This variant is not present in population databases (gnomAD no frequency). This sequence change replaces serine, which is neutral and polar, with tryptophan, which is neutral and slightly polar, at codon 504 of the TERT protein (p.Ser504Trp).

Ambry Genetics
Classification: Uncertain significance for Dyskeratosis congenita. Last evaluated: 2022-09-30. Review status: criteria provided, single submitter. Criteria: Ambry Variant Classification Scheme 2023. Collection method: clinical testing. Allele origin: germline.
Comment: The p.S504W variant (also known as c.1511C>G), located in coding exon 2 of the TERT gene, results from a C to G substitution at nucleotide position 1511. The serine at codon 504 is replaced by tryptophan, an amino acid with highly dissimilar properties. This amino acid position is conserved. In addition, the in silico prediction for this alteration is inconclusive. Since supporting evidence is limited at this time, the clinical significance of this alteration remains unclear.

NM_198253.3(TERT):c.1511C>G (p.Ser504Trp)

Gene: TERT (telomerase reverse transcriptase; minus strand). Cytogenetic location: 5p15.33.
Variant type: single nucleotide variant.
Coding change: c.1511C>G on transcript NM_198253.3 (MANE Select); coding-DNA position 1511, C replaced by G.
Protein change: p.Ser504Trp; replaces serine 504 with tryptophan.
Molecular consequence: missense variant. On other transcripts: non-coding transcript variant (2).
Genome position (GRCh38, 1-based): chr5:1,293,375, G>C on the plus strand (C>G on the coding strand, the complement: TERT is on the minus strand). VCF-style: chr5-1293375-G-C. GRCh37 (hg19) VCF-style: chr5-1293490-G-C.
Other names: c.1511C>G, p.Ser504Trp (NM_001193376.3); short protein forms S504W.
Identifiers: ClinVar variation 566675 (VCV000566675.11), dbSNP rs1561213283, ClinGen allele CA359085244.